The following is an entry in ClinVar:

ClinVar aggregate classification (germline): Uncertain significance (1 of 4 stars; one submission).

Conditions:
Inborn genetic diseases. Identifiers: MedGen C0950123, MeSH D030342.

Submission:

Ambry Genetics
Classification: Uncertain significance for Inborn genetic diseases. Last evaluated: 2025-11-20. Review status: criteria provided, single submitter. Criteria: Ambry Variant Classification Scheme 2023. Collection method: clinical testing. Allele origin: germline.
Comment: The p.H856N variant (also known as c.2566C>A), located in coding exon 20 of the BUB1B gene, results from a C to A substitution at nucleotide position 2566. The histidine at codon 856 is replaced by asparagine, an amino acid with similar properties. This amino acid position is conserved. In addition, this alteration is predicted to be tolerated by in silico analysis. Based on the available evidence, the clinical significance of this variant remains unclear.

NM_001211.6(BUB1B):c.2566C>A (p.His856Asn)

Gene: BUB1B (BUB1 mitotic checkpoint serine/threonine kinase B; plus strand). Cytogenetic location: 15q15.1.
Variant type: single nucleotide variant.
Coding change: c.2566C>A on transcript NM_001211.6 (MANE Select); coding-DNA position 2566, C replaced by A.
Protein change: p.His856Asn; replaces histidine 856 with asparagine.
Molecular consequence: missense variant.
Genome position (GRCh38, 1-based): chr15:40,213,362, C>A. VCF-style: chr15-40213362-C-A. GRCh37 (hg19) VCF-style: chr15-40505563-C-A.
Other names: short protein forms H856N.
Identifiers: ClinVar variation 4600591 (VCV004600591.1).
Genomic context (GRCh38, chr15:40,213,362, plus strand): 5'-ATAGTGAGTTTTCTGTCCTTCAATTTCCAGGATCTTCTCCAACACAGTGAATATATTACC[C>A]ATGAAATAACAGTGTTGATTATTTATAACCTTTTGACAATAGTGGAGATGCTACACAAAG-3'
Protein context (NP_001202.5, residues 846-866): DLLQHSEYIT[His856Asn]EITVLIIYNL